The following is an entry in ClinVar:

ClinVar aggregate classification (germline): Uncertain significance (1 of 4 stars; one submission).

Conditions:
Epidermolysis bullosa simplex 5C, with pyloric atresia (EBS5C). Also called: PLEC-Related Epidermolysis Bullosa with Pyloric Atresia; Epidermolysis bullosa simplex with pyloric atresia; PLEC1-Related Epidermolysis Bullosa with Pyloric Atresia. Identifiers: Orphanet 158684, MedGen C2677349, MONDO:0012807, OMIM 612138.
Autosomal recessive limb-girdle muscular dystrophy type 2Q (LGMDR17). Also called: MUSCULAR DYSTROPHY, LIMB-GIRDLE, AUTOSOMAL RECESSIVE 17. Identifiers: Orphanet 254361, MedGen C3150989, MONDO:0013390, OMIM 613723.
Epidermolysis bullosa simplex, Ogna type (EBS5A). Also called: Pidermolysis bullosa simplex 5A, Ogna type; EPIDERMOLYSIS BULLOSA SIMPLEX 5A, OGNA TYPE. Identifiers: Orphanet 79401, MedGen C0432317, MONDO:0007555, OMIM 131950.
Epidermolysis bullosa simplex 5B, with muscular dystrophy (EBS5B). Also called: Epidermolysis bullosa simplex with muscular dystrophy; EPIDERMOLYSIS BULLOSA SIMPLEX AND LIMB-GIRDLE MUSCULAR DYSTROPHY. Identifiers: Orphanet 257, MedGen C2931072, MONDO:0009181, OMIM 226670.
Epidermolysis bullosa simplex with nail dystrophy (EBS5D). Identifiers: MedGen C4225309, MONDO:0014661, OMIM 616487.

Submission:

Labcorp Genetics (formerly Invitae), Labcorp
Classification: Uncertain significance for Autosomal recessive limb-girdle muscular dystrophy type 2Q; Epidermolysis bullosa simplex, Ogna type; Epidermolysis bullosa simplex with nail dystrophy; Epidermolysis bullosa simplex 5C, with pyloric atresia; Epidermolysis bullosa simplex 5B, with muscular dystrophy. Last evaluated: 2024-10-16. Review status: criteria provided, single submitter. Criteria: Invitae Variant Classification Sherloc (09022015). Collection method: clinical testing. Allele origin: germline.
Comment: This sequence change replaces alanine, which is neutral and non-polar, with glutamic acid, which is acidic and polar, at codon 3061 of the PLEC protein (p.Ala3061Glu). This variant is not present in population databases (gnomAD no frequency). This variant has not been reported in the literature in individuals affected with PLEC-related conditions. ClinVar contains an entry for this variant (Variation ID: 2099607). An algorithm developed to predict the effect of missense changes on protein structure and function (PolyPhen-2) suggests that this variant is likely to be disruptive. In summary, the available evidence is currently insufficient to determine the role of this variant in disease. Therefore, it has been classified as a Variant of Uncertain Significance.

NM_201384.3(PLEC):c.9101C>A (p.Ala3034Glu)

Gene: PLEC (plectin; minus strand). Cytogenetic location: 8q24.3.
Variant type: single nucleotide variant.
Coding change: c.9101C>A on transcript NM_201384.3 (MANE Select); coding-DNA position 9101, C replaced by A.
Protein change: p.Ala3034Glu; replaces alanine 3034 with glutamic acid.
Molecular consequence: missense variant.
Genome position (GRCh38, 1-based): chr8:143,920,720, G>T on the plus strand (C>A on the coding strand, the complement: PLEC is on the minus strand). VCF-style: chr8-143920720-G-T. GRCh37 (hg19) VCF-style: chr8-144994888-G-T.
Other names: c.9182C>A, p.Ala3061Glu (NM_000445.5); c.5801C>A, p.Ala1934Glu (NM_001410941.1); c.9059C>A, p.Ala3020Glu (NM_201378.4); c.9035C>A, p.Ala3012Glu (NM_201379.3); c.9512C>A, p.Ala3171Glu (NM_201380.4); c.9005C>A, p.Ala3002Glu (NM_201381.3); c.9101C>A, p.Ala3034Glu (NM_201382.4); c.9113C>A, p.Ala3038Glu (NM_201383.3); short protein forms A3012E, A1934E, A3002E, A3020E, A3038E, A3171E, A3034E, A3061E.
Identifiers: ClinVar variation 2099607 (VCV002099607.4), dbSNP rs35858667, ClinGen allele CA372513863.